The following is an entry in ClinVar:

NM_025099.6(CTC1):c.1117T>C (p.Tyr373His)

Gene: CTC1 (CST telomere replication complex component 1; minus strand). Cytogenetic location: 17p13.1.
Variant type: single nucleotide variant.
Coding change: c.1117T>C on transcript NM_025099.6 (MANE Select); coding-DNA position 1117, T replaced by C.
Protein change: p.Tyr373His; replaces tyrosine 373 with histidine.
Molecular consequence: missense variant. On other transcripts: non-coding transcript variant (1).
Genome position (GRCh38, 1-based): chr17:8,235,920, A>G on the plus strand (T>C on the coding strand, the complement: CTC1 is on the minus strand). VCF-style: chr17-8235920-A-G. GRCh37 (hg19) VCF-style: chr17-8139238-A-G.
Other names: short protein forms Y373H.
Identifiers: ClinVar variation 891231 (VCV000891231.7), dbSNP rs1200884099, ClinGen allele CA397987164.

ClinVar aggregate classification (germline): Uncertain significance. Review status: criteria provided, multiple submitters, no conflicts (2 of 4 stars). 3 submissions from 3 submitters: Uncertain significance (3). Last evaluated 2021-07-15.

Conditions:
Cerebroretinal microangiopathy with calcifications and cysts 1 (CRMCC1). Identifiers: Orphanet 313838, MedGen C4552029, MONDO:0024564, OMIM 612199.
Dyskeratosis congenita. Identifiers: Orphanet 1775, MedGen C0265965, MONDO:0015780.

Allele frequency attached by ClinVar (database versions not stated): gnomAD 0.00001; gnomAD exomes 0.00001; TOPMed 0.00001.
gnomAD v4.1: 13 of 1,613,414 alleles (0.00081%); highest among the groups gnomAD compares: Non-Finnish European, 0.001%; no homozygotes.

Submissions (3):

Genome-Nilou Lab
Classification: Uncertain significance for Cerebroretinal microangiopathy with calcifications and cysts 1. Last evaluated: 2021-07-15. Review status: criteria provided, single submitter. Criteria: ACMG Guidelines, 2015. Collection method: clinical testing. Allele origin: germline. Affected: no.

GeneDx
Classification: Uncertain significance. Last evaluated: 2021-01-12. Review status: criteria provided, single submitter. Criteria: GeneDx Variant Classification Process June 2021. Collection method: clinical testing. Allele origin: germline. Affected: yes.
Comment: In silico analysis supports that this missense variant has a deleterious effect on protein structure/function; Has not been previously published as pathogenic or benign to our knowledge

Illumina Laboratory Services, Illumina
Classification: Uncertain significance for Dyskeratosis congenita. Last evaluated: 2018-01-12. Review status: criteria provided, single submitter. Criteria: ICSL Variant Classification Criteria 13 December 2019. Collection method: clinical testing. Allele origin: germline.